The following is an entry in ClinVar:

ClinVar aggregate classification (germline): Likely pathogenic (1 of 4 stars; one submission).

Conditions:
Duchenne muscular dystrophy (DMD). Also called: Duchenne Muscular Dystrophy (DMD); MUSCULAR DYSTROPHY, PSEUDOHYPERTROPHIC PROGRESSIVE, DUCHENNE TYPE. Identifiers: Orphanet 98896, MedGen C0013264, MONDO:0010679, OMIM 310200.

Submission:

Labcorp Genetics (formerly Invitae), Labcorp
Classification: Likely pathogenic for Duchenne muscular dystrophy. Last evaluated: 2022-05-12. Review status: criteria provided, single submitter. Criteria: Invitae Variant Classification Sherloc (09022015). Collection method: clinical testing. Allele origin: germline.
Comment: This variant results in a copy number gain of the genomic region encompassing exon(s) 21 of the DMD gene. While the exact position of this variant cannot be determined from the data, sub-genic copy number gains are generally in tandem (PMID: 25640679). This variant is predicted to be out-of-frame, and may result in an absent or disrupted protein product. Loss-of-function variants in DMD are known to be pathogenic (PMID: 16770791, 25007885). A similar copy number variant has been observed in individual(s) with Becker Muscular Dystrophy (PMID: 17259292). In summary, the currently available evidence indicates that the variant is pathogenic, but additional data are needed to prove that conclusively. Therefore, this variant has been classified as Likely Pathogenic.

Literature cited by the submitters: PubMed 25640679; PubMed 16770791; PubMed 25007885; PubMed 17259292.

NC_000023.10:g.(?_32503016)_(32503236_?)dup

Gene: DMD (dystrophin; minus strand). Cytogenetic location: Xp21.1.
Variant type: Duplication.
Identifiers: ClinVar variation 2424943 (VCV002424943.4).